The following is an entry in ClinVar:

ClinVar aggregate classification (germline): Conflicting classifications of pathogenicity. Review status: criteria provided, conflicting classifications (1 of 4 stars). 5 submissions from 5 submitters: Uncertain significance (2); Likely benign (3). Last evaluated 2025-10-01.

Conditions:
Inborn genetic diseases. Identifiers: MedGen C0950123, MeSH D030342.
Sotos syndrome (SOTOS). Also called: CHROMOSOME 5q35 DELETION SYNDROME; Sotos' syndrome; SOTOS SYNDROME 1; CEREBRAL GIGANTISM; Distinctive facial appearance, overgrowth in childhood, and learning disabilities or delayed development. Identifiers: Orphanet 821, MedGen C0175695, MONDO:0019349, OMIM 117550.

Allele frequency attached by ClinVar (database versions not stated): gnomAD exomes below 0.00001 and 0.00001; gnomAD 0.00001 and 0.00002.
gnomAD v4.1: 8 of 1,613,954 alleles (0.0005%); highest among the groups gnomAD compares: Admixed American, 0.005%; no homozygotes.

Submissions (5):

CeGaT Center for Human Genetics Tuebingen
Classification: Likely benign. Last evaluated: 2025-10-01. Review status: criteria provided, single submitter. Criteria: CeGaT Center For Human Genetics Tuebingen Variant Classification Criteria Version 2. Collection method: clinical testing. Allele origin: germline. Affected: yes. Observed: 1 variant allele.
Comment: NSD1: BP4

Labcorp Genetics (formerly Invitae), Labcorp
Classification: Likely benign. Last evaluated: 2024-08-07. Review status: criteria provided, single submitter. Criteria: Invitae Variant Classification Sherloc (09022015). Collection method: clinical testing. Allele origin: germline.

Ambry Genetics
Classification: Likely benign for Inborn genetic diseases. Last evaluated: 2024-05-14. Review status: criteria provided, single submitter. Criteria: Ambry Variant Classification Scheme 2023. Collection method: clinical testing. Allele origin: germline.

Fulgent Genetics
Classification: Uncertain significance for Sotos syndrome. Last evaluated: 2024-05-10. Review status: criteria provided, single submitter. Criteria: ACMG Guidelines, 2015. Collection method: clinical testing. Allele origin: germline.

Genetic Services Laboratory, University of Chicago
Classification: Uncertain significance. Last evaluated: 2016-12-15. Review status: criteria provided, single submitter. Criteria: ACMG Guidelines, 2015. Collection method: clinical testing. Allele origin: germline. Affected: no.

NM_022455.5(NSD1):c.3267T>A (p.Asp1089Glu)

Gene: NSD1 (nuclear receptor binding SET domain protein 1; plus strand). Cytogenetic location: 5q35.3.
Variant type: single nucleotide variant.
Coding change: c.3267T>A on transcript NM_022455.5 (MANE Select); coding-DNA position 3267, T replaced by A.
Protein change: p.Asp1089Glu; replaces aspartic acid 1089 with glutamic acid.
Molecular consequence: missense variant.
Genome position (GRCh38, 1-based): chr5:177,211,666, T>A. VCF-style: chr5-177211666-T-A. GRCh37 (hg19) VCF-style: chr5-176638667-T-A.
Other names: c.2394T>A, p.Asp798Glu (NM_001365684.2, NM_001409306.1, NM_001409307.1 and 3 more transcripts); c.3267T>A, p.Asp1089Glu (NM_001409301.1, NM_001409302.1, NM_001409303.1); c.2847T>A, p.Asp949Glu (NM_001409304.1); c.2514T>A, p.Asp838Glu (NM_001409305.1); short protein forms D1089E, D820E, D949E, D798E, D838E.
Identifiers: ClinVar variation 436062 (VCV000436062.22), dbSNP rs1406037834, ClinGen allele CA362323263.
Genomic context (GRCh38, chr5:177,211,666, plus strand): 5'-GGGAGACCGAGAACGTGGAGGTTCATTGAGAGGTGGGGCAGAAGATCCTAGTAAAGAGGA[T>A]CCCCTTCAGATAATGGGCCACTTAACAAGTGAAGATGGTGACCATTTTTCTGATGTGCAT-3'
Protein context (NP_071900.2, residues 1079-1099): RGGAEDPSKE[Asp1089Glu]PLQIMGHLTS